The following is an entry in ClinVar:

NM_004519.4(KCNQ3):c.1404T>A (p.Asn468Lys)

Gene: KCNQ3 (potassium voltage-gated channel subfamily Q member 3; minus strand). Cytogenetic location: 8q24.22.
Variant type: single nucleotide variant.
Coding change: c.1404T>A on transcript NM_004519.4 (MANE Select); coding-DNA position 1404, T replaced by A.
Protein change: p.Asn468Lys; replaces asparagine 468 with lysine.
Molecular consequence: missense variant.
Genome position (GRCh38, 1-based): chr8:132,141,190, A>T on the plus strand (T>A on the coding strand, the complement: KCNQ3 is on the minus strand). VCF-style: chr8-132141190-A-T. GRCh37 (hg19) VCF-style: chr8-133153437-A-T.
Other names: c.1044T>A, p.Asn348Lys (NM_001204824.2); short protein forms N348K, N468K.
Identifiers: ClinVar variation 860868 (VCV000860868.1), dbSNP rs754462752, ClinGen allele CA372219926.
Genomic context (GRCh38, chr8:132,141,190, plus strand): 5'-TTCAGAACTCTGCCAGAAAGCGTAGGCTTTCATGCGGAAGGCCGTGCGGAAACGCTCTTT[A>T]TTGTTTAAGCCAACAGGCTTTGGTTCTTTAGAAGGACTTTCTTCTATGGCATCTACATTC-3'
Protein context (NP_004510.1, residues 458-478): SKEPKPVGLN[Asn468Lys]KERFRTAFRM

ClinVar aggregate classification (germline): Uncertain significance (1 of 4 stars; one submission).

Conditions:
Benign neonatal seizures. Also called: Convulsions benign familial neonatal dominant form; Autosomal dominant form of benign neonatal seizures; Benign neonatal familial convulsions; Benign familial neonatal epilepsy; Benign familial neonatal seizures. Identifiers: Orphanet 1949, MedGen C0220669, MONDO:0016027.

Submission:

Labcorp Genetics (formerly Invitae), Labcorp
Classification: Uncertain significance for Benign neonatal seizures. Last evaluated: 2019-12-11. Review status: criteria provided, single submitter. Criteria: Invitae Variant Classification Sherloc (09022015). Collection method: clinical testing. Allele origin: germline.
Comment: This sequence change replaces asparagine with lysine at codon 468 of the KCNQ3 protein (p.Asn468Lys). The asparagine residue is highly conserved and there is a moderate physicochemical difference between asparagine and lysine. This variant is not present in population databases (ExAC no frequency). This variant has not been reported in the literature in individuals with KCNQ3-related conditions. Algorithms developed to predict the effect of missense changes on protein structure and function (SIFT, PolyPhen-2, Align-GVGD) all suggest that this variant is likely to be tolerated, but these predictions have not been confirmed by published functional studies and their clinical significance is uncertain. In summary, the available evidence is currently insufficient to determine the role of this variant in disease. Therefore, it has been classified as a Variant of Uncertain Significance.